The following is an entry in ClinVar:

NM_000548.5(TSC2):c.3815-15G>T

Gene: TSC2 (TSC complex subunit 2; plus strand). Cytogenetic location: 16p13.3.
Variant type: single nucleotide variant.
Coding change: c.3815-15G>T on transcript NM_000548.5 (MANE Select); 15 bases into the intron before coding-DNA position 3815, G replaced by T.
Molecular consequence: intron variant.
Genome position (GRCh38, 1-based): chr16:2,082,421, G>T. VCF-style: chr16-2082421-G-T. GRCh37 (hg19) VCF-style: chr16-2132422-G-T.
Other names: c.2341+623G>T (NM_001406693.1, NM_001406692.1, NM_001406694.1); c.3775+623G>T (NM_001406667.1); c.3772+623G>T (NM_001406668.1); c.3215-15G>T (NM_001406680.1); c.3214+623G>T (NM_001406683.1, NM_001406682.1); c.3082+623G>T (NM_001406687.1, NM_001406688.1); c.2470+623G>T (NM_001406689.1); c.2342-15G>T (NM_001406690.1); and 25 more.
Identifiers: ClinVar variation 2713119 (VCV002713119.4), dbSNP rs45480591, ClinGen allele CA656221071.

ClinVar aggregate classification (germline): Conflicting classifications of pathogenicity. Review status: criteria provided, conflicting classifications (1 of 4 stars). 2 submissions from 2 submitters: Uncertain significance (1); Likely benign (1). Last evaluated 2025-05-30.

Conditions:
Tuberous sclerosis 2 (TSC2). Identifiers: Orphanet 805, MedGen C1860707, MONDO:0013199, OMIM 613254.

Submissions (2):

Myriad Genetics, Inc.
Classification: Likely benign for Tuberous sclerosis 2. Last evaluated: 2025-05-30. Review status: criteria provided, single submitter. Criteria: Myriad Autosomal Dominant, Autosomal Recessive and X-Linked Classification Criteria (2023). Collection method: clinical testing. Allele origin: unknown.
Comment: This variant is considered likely benign. This variant is intronic and is not expected to impact mRNA splicing.

Labcorp Genetics (formerly Invitae), Labcorp
Classification: Uncertain significance for Tuberous sclerosis 2. Last evaluated: 2023-09-26. Review status: criteria provided, single submitter. Criteria: Invitae Variant Classification Sherloc (09022015). Collection method: clinical testing. Allele origin: germline.
Comment: This sequence change falls in intron 31 of the TSC2 gene. It does not directly change the encoded amino acid sequence of the TSC2 protein. This variant is not present in population databases (gnomAD no frequency). This variant has not been reported in the literature in individuals affected with TSC2-related conditions. Algorithms developed to predict the effect of sequence changes on RNA splicing suggest that this variant may create or strengthen a splice site. In summary, the available evidence is currently insufficient to determine the role of this variant in disease. Therefore, it has been classified as a Variant of Uncertain Significance.